The following is an entry in ClinVar:

ClinVar aggregate classification (germline): Uncertain significance (1 of 4 stars; one submission).

gnomAD v4.1: 1 of 1,614,146 alleles (0.000062%); highest among the groups gnomAD compares: East Asian, 0.0022%; no homozygotes.

Submission:

GeneDx
Classification: Uncertain significance. Last evaluated: 2025-04-20. Review status: criteria provided, single submitter. Criteria: GeneDx Variant Classification Process June 2021. Collection method: clinical testing. Allele origin: germline. Affected: yes.
Comment: In silico analysis supports that this missense variant has a deleterious effect on protein structure/function; Has not been previously published as pathogenic or benign to our knowledge

NM_014159.7(SETD2):c.2092T>C (p.Ser698Pro)

Gene: SETD2 (SET domain containing 2, histone lysine methyltransferase; minus strand). Cytogenetic location: 3p21.31.
Variant type: single nucleotide variant.
Coding change: c.2092T>C on transcript NM_014159.7 (MANE Select); coding-DNA position 2092, T replaced by C.
Protein change: p.Ser698Pro; replaces serine 698 with proline.
Molecular consequence: missense variant. On other transcripts: non-coding transcript variant (1).
Genome position (GRCh38, 1-based): chr3:47,122,544, A>G on the plus strand (T>C on the coding strand, the complement: SETD2 is on the minus strand). VCF-style: chr3-47122544-A-G. GRCh37 (hg19) VCF-style: chr3-47164034-A-G.
Other names: c.1960T>C, p.Ser654Pro (NM_001349370.3); short protein forms S654P, S698P.
Identifiers: ClinVar variation 4282269 (VCV004282269.1).
Genomic context (GRCh38, chr3:47,122,544, plus strand): 5'-ATGAAAGCATGCATGCTTTGACCAAAGGGGATAATTCCGATCCAGTCACACTATCATCAG[A>G]AGTCATTAAAACAGCATCAGTTTTAGAAGTGCAAAATGTTGCCAAATCAGATTCTGCCCC-3'
Protein context (NP_054878.5, residues 688-708): TSKTDAVLMT[Ser698Pro]DDSVTGSELS